The following is an entry in ClinVar:

NM_015141.4(GPD1L):c.229G>T (p.Ala77Ser)

Gene: GPD1L (glycerol-3-phosphate dehydrogenase 1 like; plus strand). Cytogenetic location: 3p22.3.
Variant type: single nucleotide variant.
Coding change: c.229G>T on transcript NM_015141.4 (MANE Select); coding-DNA position 229, G replaced by T.
Protein change: p.Ala77Ser; replaces alanine 77 with serine.
Molecular consequence: missense variant.
Genome position (GRCh38, 1-based): chr3:32,138,590, G>T. VCF-style: chr3-32138590-G-T. GRCh37 (hg19) VCF-style: chr3-32180082-G-T.
Other names: short protein forms A77S.
Identifiers: ClinVar variation 1310299 (VCV001310299.2), dbSNP rs2125485153, ClinGen allele CA351974122.
Genomic context (GRCh38, chr3:32,138,590, plus strand): 5'-GGACAGGCAAGGTTTGATATAAGAGGAGAAACGGTCTTCTCTGCCTTTTGGTTGCAGGTT[G>T]CCATGTCAAATCTTAGCGAGGCTGTGCAGGATGCAGACCTGCTGGTGTTTGTCATTCCCC-3'
Protein context (NP_055956.1, residues 67-87): PGHKLPENVV[Ala77Ser]MSNLSEAVQD

ClinVar aggregate classification (germline): Uncertain significance (1 of 4 stars; one submission).

Submission:

GeneDx
Classification: Uncertain significance. Last evaluated: 2019-11-19. Review status: criteria provided, single submitter. Criteria: GeneDx Variant Classification Process June 2021. Collection method: clinical testing. Allele origin: germline. Affected: yes.
Comment: Has not been previously published as pathogenic or benign to our knowledge; Not observed in large population cohorts (Lek et al., 2016); In silico analysis, which includes protein predictors and evolutionary conservation, supports a deleterious effect